The following is an entry in ClinVar:

ClinVar aggregate classification (germline): Uncertain significance (1 of 4 stars; one submission).

Conditions:
Hereditary cancer-predisposing syndrome. Also called: Neoplastic Syndromes, Hereditary; Tumor predisposition; Hereditary Cancer Syndrome; Hereditary neoplastic syndrome. Identifiers: Orphanet 140162, MedGen C0027672, MeSH D009386, MONDO:0015356.

Submission:

Ambry Genetics
Classification: Uncertain significance for Hereditary cancer-predisposing syndrome. Last evaluated: 2025-12-10. Review status: criteria provided, single submitter. Criteria: Ambry Variant Classification Scheme 2023. Collection method: clinical testing. Allele origin: germline.
Comment: The p.N406I variant (also known as c.1217A>T), located in coding exon 7 of the KIT gene, results from an A to T substitution at nucleotide position 1217. The asparagine at codon 406 is replaced by isoleucine, an amino acid with dissimilar properties. This amino acid position is conserved. In addition, this alteration is predicted to be tolerated by in silico analysis. Based on the available evidence, the clinical significance of this variant remains unclear.

NM_000222.3(KIT):c.1217A>T (p.Asn406Ile)

Gene: KIT (KIT proto-oncogene, receptor tyrosine kinase; plus strand). Cytogenetic location: 4q12.
Variant type: single nucleotide variant.
Coding change: c.1217A>T on transcript NM_000222.3 (MANE Select); coding-DNA position 1217, A replaced by T.
Protein change: p.Asn406Ile; replaces asparagine 406 with isoleucine.
Molecular consequence: missense variant.
Genome position (GRCh38, 1-based): chr4:54,709,525, A>T. VCF-style: chr4-54709525-A-T. GRCh37 (hg19) VCF-style: chr4-55575691-A-T.
Other names: c.1217A>T, p.Asn406Ile (NM_001093772.2, NM_001385285.1, NM_001385286.1); c.1220A>T, p.Asn407Ile (NM_001385284.1, NM_001385288.1, NM_001385290.1 and 1 more transcripts); short protein forms N406I, N407I.
Identifiers: ClinVar variation 4645467 (VCV004645467.1).